The following is an entry in ClinVar:

NM_016156.6(MTMR2):c.458C>G (p.Thr153Ser)

Gene: MTMR2 (myotubularin related protein 2; minus strand). Cytogenetic location: 11q21.
Variant type: single nucleotide variant.
Coding change: c.458C>G on transcript NM_016156.6 (MANE Select); coding-DNA position 458, C replaced by G.
Protein change: p.Thr153Ser; replaces threonine 153 with serine.
Molecular consequence: missense variant.
Genome position (GRCh38, 1-based): chr11:95,862,002, G>C on the plus strand (C>G on the coding strand, the complement: MTMR2 is on the minus strand). VCF-style: chr11-95862002-G-C. GRCh37 (hg19) VCF-style: chr11-95595166-G-C.
Other names: c.242C>G, p.Thr81Ser (NM_001243571.2, NM_201278.3, NM_201281.3); short protein forms T81S, T153S.
Identifiers: ClinVar variation 1356526 (VCV001356526.8), dbSNP rs1864437012, ClinGen allele CA382429352.

ClinVar aggregate classification (germline): Uncertain significance (1 of 4 stars; one submission).

Conditions:
Charcot-Marie-Tooth disease type 4. Also called: Charcot-Marie-Tooth disease, type IV; Charcot-Marie-Tooth, Type 4. Identifiers: Orphanet 64749, MedGen C4082197, MONDO:0018995.

Allele frequency attached by ClinVar (database versions not stated): gnomAD exomes below 0.00001; TOPMed below 0.00001; gnomAD 0.00001.
gnomAD v4.1: 5 of 1,609,350 alleles (0.00031%); highest among the groups gnomAD compares: Non-Finnish European, 0.00043%; no homozygotes.

Submission:

Labcorp Genetics (formerly Invitae), Labcorp
Classification: Uncertain significance for Charcot-Marie-Tooth disease type 4. Last evaluated: 2025-06-23. Review status: criteria provided, single submitter. Criteria: Invitae Variant Classification Sherloc (09022015). Collection method: clinical testing. Allele origin: germline.
Comment: This sequence change replaces threonine, which is neutral and polar, with serine, which is neutral and polar, at codon 153 of the MTMR2 protein (p.Thr153Ser). This variant is not present in population databases (gnomAD no frequency). This variant has not been reported in the literature in individuals affected with MTMR2-related conditions. ClinVar contains an entry for this variant (Variation ID: 1356526). Invitae Evidence Modeling of protein sequence and biophysical properties (such as structural, functional, and spatial information, amino acid conservation, physicochemical variation, residue mobility, and thermodynamic stability) indicates that this missense variant is expected to disrupt MTMR2 protein function with a positive predictive value of 80%. In summary, the available evidence is currently insufficient to determine the role of this variant in disease. Therefore, it has been classified as a Variant of Uncertain Significance.